The following is an entry in ClinVar:

NM_152564.5(VPS13B):c.2083G>A (p.Val695Met)

Gene: VPS13B (vacuolar protein sorting 13 homolog B; plus strand). Cytogenetic location: 8q22.2.
Variant type: single nucleotide variant.
Coding change: c.2083G>A on transcript NM_152564.5 (MANE Select); coding-DNA position 2083, G replaced by A.
Protein change: p.Val695Met; replaces valine 695 with methionine.
Molecular consequence: missense variant.
Genome position (GRCh38, 1-based): chr8:99,156,618, G>A. VCF-style: chr8-99156618-G-A. GRCh37 (hg19) VCF-style: chr8-100168846-G-A.
Other names: c.2083G>A, p.Val695Met (NM_015243.3, NM_017890.5); short protein forms V695M.
Identifiers: ClinVar variation 1019297 (VCV001019297.5), dbSNP rs763463283, ClinGen allele CA371864954.

ClinVar aggregate classification (germline): Uncertain significance (1 of 4 stars; one submission).

Conditions:
Cohen syndrome (COH1). Also called: PEPPER SYNDROME; Cutis verticis gyrata, retinitis pigmentosa, and sensorineural deafness. Identifiers: Orphanet 193, MedGen C0265223, MONDO:0008999, OMIM 216550.

gnomAD v4.1: 1 of 1,614,096 alleles (0.000062%); highest among the groups gnomAD compares: Non-Finnish European, 0.000085%; no homozygotes.

Submission:

Labcorp Genetics (formerly Invitae), Labcorp
Classification: Uncertain significance for Cohen syndrome. Last evaluated: 2022-02-25. Review status: criteria provided, single submitter. Criteria: Invitae Variant Classification Sherloc (09022015). Collection method: clinical testing. Allele origin: germline.
Comment: In summary, the available evidence is currently insufficient to determine the role of this variant in disease. Therefore, it has been classified as a Variant of Uncertain Significance. Algorithms developed to predict the effect of missense changes on protein structure and function are either unavailable or do not agree on the potential impact of this missense change (SIFT: "Not Available"; PolyPhen-2: "Probably Damaging"; Align-GVGD: "Not Available"). ClinVar contains an entry for this variant (Variation ID: 1019297). This variant has not been reported in the literature in individuals affected with VPS13B-related conditions. This variant is not present in population databases (gnomAD no frequency). This sequence change replaces valine, which is neutral and non-polar, with methionine, which is neutral and non-polar, at codon 695 of the VPS13B protein (p.Val695Met).